The following is an entry in ClinVar:

NM_032043.3(BRIP1):c.1475G>A (p.Gly492Glu)

Gene: BRIP1 (BRCA1 interacting DNA helicase 1; minus strand). Cytogenetic location: 17q23.2.
Variant type: single nucleotide variant.
Coding change: c.1475G>A on transcript NM_032043.3 (MANE Select); coding-DNA position 1475, G replaced by A.
Protein change: p.Gly492Glu; replaces glycine 492 with glutamic acid.
Molecular consequence: missense variant.
Genome position (GRCh38, 1-based): chr17:61,784,423, C>T on the plus strand (G>A on the coding strand, the complement: BRIP1 is on the minus strand). VCF-style: chr17-61784423-C-T. GRCh37 (hg19) VCF-style: chr17-59861784-C-T.
Other names: short protein forms G492E.
Identifiers: ClinVar variation 1773453 (VCV001773453.2), dbSNP rs2077672955, ClinGen allele CA400481781.

ClinVar aggregate classification (germline): Uncertain significance (1 of 4 stars; one submission).

Conditions:
Hereditary cancer-predisposing syndrome. Also called: Hereditary Cancer Syndrome; Hereditary neoplastic syndrome; Neoplastic Syndromes, Hereditary; Tumor predisposition. Identifiers: Orphanet 140162, MedGen C0027672, MeSH D009386, MONDO:0015356.

Submission:

Ambry Genetics
Classification: Uncertain significance for Hereditary cancer-predisposing syndrome. Last evaluated: 2021-01-06. Review status: criteria provided, single submitter. Criteria: Ambry Variant Classification Scheme 2023. Collection method: clinical testing. Allele origin: germline.
Comment: The p.G492E variant (also known as c.1475G>A), located in coding exon 10 of the BRIP1 gene, results from a G to A substitution at nucleotide position 1475. The glycine at codon 492 is replaced by glutamic acid, an amino acid with similar properties. This amino acid position is not well conserved in available vertebrate species. In addition, this alteration is predicted to be tolerated by in silico analysis. Since supporting evidence is limited at this time, the clinical significance of this alteration remains unclear.